The following is an entry in ClinVar:

NM_001142.2(AMELX):c.474G>A (p.Leu158=)

Genes: AMELX (amelogenin X-linked; plus strand), ARHGAP6 (Rho GTPase activating protein 6; minus strand). Cytogenetic location: Xp22.2.
Variant type: single nucleotide variant.
Coding change: c.474G>A on transcript NM_001142.2 (MANE Select); coding-DNA position 474, G replaced by A.
Protein change: p.Leu158=; no amino-acid change (leucine 158 retained).
Molecular consequence: synonymous variant. On other transcripts: intron variant (3).
Genome position (GRCh38, 1-based): chrX:11,298,877, G>A. VCF-style: chrX-11298877-G-A. GRCh37 (hg19) VCF-style: chrX-11316997-G-A.
Other names: c.516G>A, p.Leu172= (NM_182680.1); c.426G>A, p.Leu142= (NM_182681.1); c.589-44170C>T (NM_013427.3, NM_006125.3); c.49-44170C>T (NM_001287242.2).
Identifiers: ClinVar variation 735678 (VCV000735678.6), dbSNP rs143860203, ClinGen allele CA10348540.

ClinVar aggregate classification (germline): Benign. Review status: criteria provided, single submitter (1 of 4 stars). 2 submissions from 2 submitters: Benign (1). 1 of the submissions does not count toward it. Last evaluated 2019-12-31.

Conditions:
AMELX-related disorder. Also called: AMELX-related condition.

Allele frequency attached by ClinVar (database versions not stated): 1000 Genomes Project 30x 0.00021; 1000 Genomes Project 0.00026; gnomAD exomes 0.00087 and 0.00173; ExAC 0.00101; TOPMed 0.00102; gnomAD 0.00111 and 0.00114; ESP Exome Variant Server 0.00142.
gnomAD v4.1: 2,008 of 1,208,765 alleles (0.17%); highest among the groups gnomAD compares: Non-Finnish European, 0.21%; 1 homozygote.

Submissions (2):

Labcorp Genetics (formerly Invitae), Labcorp
Classification: Benign. Last evaluated: 2019-12-31. Review status: criteria provided, single submitter. Criteria: Invitae Variant Classification Sherloc (09022015). Collection method: clinical testing. Allele origin: germline.

PreventionGenetics, part of Exact Sciences
Classification: Likely benign for AMELX-related condition. Last evaluated: 2019-06-14. Review status: no assertion criteria provided. Collection method: clinical testing. Allele origin: germline. Not counted in ClinVar's aggregate classification.
Comment: This variant is classified as likely benign based on ACMG/AMP sequence variant interpretation guidelines (Richards et al. 2015 PMID: 25741868, with internal and published modifications).